The following is an entry in ClinVar:

NM_006361.6(HOXB13):c.827C>G (p.Ala276Gly)

Gene: HOXB13 (homeobox B13; minus strand). Cytogenetic location: 17q21.32.
Variant type: single nucleotide variant.
Coding change: c.827C>G on transcript NM_006361.6 (MANE Select); coding-DNA position 827, C replaced by G.
Protein change: p.Ala276Gly; replaces alanine 276 with glycine.
Molecular consequence: missense variant.
Genome position (GRCh38, 1-based): chr17:48,726,818, G>C on the plus strand (C>G on the coding strand, the complement: HOXB13 is on the minus strand). VCF-style: chr17-48726818-G-C. GRCh37 (hg19) VCF-style: chr17-46804180-G-C.
Other names: short protein forms A276G.
Identifiers: ClinVar variation 827553 (VCV000827553.13), dbSNP rs1597932435, ClinGen allele CA400105354.

ClinVar aggregate classification (germline): Uncertain significance. Review status: criteria provided, multiple submitters, no conflicts (2 of 4 stars). 3 submissions from 3 submitters: Uncertain significance (3). Last evaluated 2025-10-19.

Conditions:
Hereditary cancer-predisposing syndrome. Also called: Neoplastic Syndromes, Hereditary; Tumor predisposition; Hereditary neoplastic syndrome; Hereditary Cancer Syndrome. Identifiers: Orphanet 140162, MedGen C0027672, MeSH D009386, MONDO:0015356.

Allele frequency attached by ClinVar (database versions not stated): gnomAD exomes below 0.00001.
gnomAD v4.1: 2 of 1,614,140 alleles (0.00012%); highest among the groups gnomAD compares: South Asian, 0.0022%; no homozygotes.

Submissions (3):

Labcorp Genetics (formerly Invitae), Labcorp
Classification: Uncertain significance. Last evaluated: 2025-10-19. Review status: criteria provided, single submitter. Criteria: Invitae Variant Classification Sherloc (09022015). Collection method: clinical testing. Allele origin: germline.
Comment: This sequence change replaces alanine, which is neutral and non-polar, with glycine, which is neutral and non-polar, at codon 276 of the HOXB13 protein (p.Ala276Gly). This variant is not present in population databases (gnomAD no frequency). This variant has not been reported in the literature in individuals affected with HOXB13-related conditions. ClinVar contains an entry for this variant (Variation ID: 827553). Invitae Evidence Modeling of protein sequence and biophysical properties (such as structural, functional, and spatial information, amino acid conservation, physicochemical variation, residue mobility, and thermodynamic stability) indicates that this missense variant is not expected to disrupt HOXB13 protein function with a negative predictive value of 80%. In summary, the available evidence is currently insufficient to determine the role of this variant in disease. Therefore, it has been classified as a Variant of Uncertain Significance.

Ambry Genetics
Classification: Uncertain significance for Hereditary cancer-predisposing syndrome. Last evaluated: 2024-03-06. Review status: criteria provided, single submitter. Criteria: Ambry Variant Classification Scheme 2023. Collection method: clinical testing. Allele origin: germline.
Comment: The p.A276G variant (also known as c.827C>G), located in coding exon 2 of the HOXB13 gene, results from a C to G substitution at nucleotide position 827. The alanine at codon 276 is replaced by glycine, an amino acid with similar properties. This amino acid position is not well conserved in available vertebrate species. In addition, this alteration is predicted to be tolerated by in silico analysis. Since supporting evidence is limited at this time, the clinical significance of this alteration remains unclear.

Quest Diagnostics Nichols Institute San Juan Capistrano
Classification: Uncertain significance. Last evaluated: 2022-12-23. Review status: criteria provided, single submitter. Criteria: Quest Diagnostics criteria. Collection method: clinical testing. Allele origin: unknown.
Comment: The variant has not been reported in the published literature. It also has not been reported in large, multi-ethnic general populations. Analysis of this variant using bioinformatics tools for the prediction of the effect of amino acid changes on protein structure and function yielded conflicting predictions that this variant is benign or damaging. Based on the available information, we are unable to determine the clinical significance of this variant.